The following is an entry in ClinVar:

NM_006415.4(SPTLC1):c.781-6A>G

Gene: SPTLC1 (serine palmitoyltransferase long chain base subunit 1; minus strand). Cytogenetic location: 9q22.31.
Variant type: single nucleotide variant.
Coding change: c.781-6A>G on transcript NM_006415.4 (MANE Select); 6 bases into the intron before coding-DNA position 781, A replaced by G.
Molecular consequence: intron variant.
Genome position (GRCh38, 1-based): chr9:92,050,073, T>C on the plus strand (A>G on the coding strand, the complement: SPTLC1 is on the minus strand). VCF-style: chr9-92050073-T-C. GRCh37 (hg19) VCF-style: chr9-94812355-T-C.
Other names: p.?; c.781-6A>G (NM_001281303.2, LRG_272t1); c.415-6A>G (NM_001368272.1); c.316-6A>G (NM_001368273.1).
Identifiers: ClinVar variation 139322 (VCV000139322.36), dbSNP rs138268337, ClinGen allele CA248910.

ClinVar aggregate classification (germline): Benign/Likely benign. Review status: criteria provided, multiple submitters, no conflicts (2 of 4 stars). 11 submissions from 11 submitters: Benign (6); Likely benign (2). 3 of the submissions do not count toward it. Last evaluated 2026-02-03.

Conditions:
SPTLC1-related disorder. Also called: SPTLC1-related condition.
Charcot-Marie-Tooth disease. Also called: Charcot-Marie-Tooth Hereditary Neuropathy; Charcot-Marie-Tooth Neuropathy. Identifiers: Orphanet 166, MedGen C0007959, MONDO:0015626.
Hereditary sensory and autonomic neuropathy type 1 (HSAN1). Also called: Hereditary Sensory Neuropathy Type I; HSAN 1; HSN Type I. Identifiers: Orphanet 36386, MedGen C0020071, MONDO:0018213.

Allele frequency attached by ClinVar (database versions not stated): 1000 Genomes Project 0.00639; 1000 Genomes Project 30x 0.00671; gnomAD 0.01253 and 0.01288; TOPMed 0.01374; gnomAD exomes 0.01657 and 0.01261; ExAC 0.01240; ESP Exome Variant Server 0.01561.
gnomAD v4.1: 25,178 of 1,563,122 alleles (1.6%); highest among the groups gnomAD compares: Middle Eastern, 2%; 252 homozygotes.

Submissions (11):

Labcorp Genetics (formerly Invitae), Labcorp
Classification: Benign for Hereditary sensory and autonomic neuropathy type 1. Last evaluated: 2026-02-03. Review status: criteria provided, single submitter. Criteria: Invitae Variant Classification Sherloc (09022015). Collection method: clinical testing. Allele origin: germline.

ARUP Laboratories, Molecular Genetics and Genomics, ARUP Laboratories
Classification: Benign. Last evaluated: 2025-07-30. Review status: criteria provided, single submitter. Criteria: ARUP Molecular Germline Variant Investigation Process 2024. Collection method: clinical testing. Allele origin: germline.

Blueprint Genetics
Classification: Likely benign. Last evaluated: 2024-11-27. Review status: criteria provided, single submitter. Criteria: ACMG Guidelines, 2015. Collection method: clinical testing. Allele origin: germline.

Mayo Clinic Laboratories, Mayo Clinic
Classification: Benign. Last evaluated: 2016-04-13. Review status: criteria provided, single submitter. Criteria: ACMG Guidelines, 2015. Collection method: clinical testing. Allele origin: germline. Observed: 60 variant alleles.

Genomic Diagnostic Laboratory, Division of Genomic Diagnostics, Children's Hospital of Philadelphia
Classification: Benign. Last evaluated: 2015-04-17. Review status: criteria provided, single submitter. Criteria: DGD Variant Analysis Guidelines. Collection method: clinical testing. Allele origin: unknown.

GeneDx
Classification: Benign. Last evaluated: 2014-04-03. Review status: criteria provided, single submitter. Criteria: GeneDx Variant Classification (06012015). Collection method: clinical testing. Allele origin: germline. Affected: yes.
Comment: This variant is considered likely benign or benign based on one or more of the following criteria: it is a conservative change, it occurs at a poorly conserved position in the protein, it is predicted to be benign by multiple in silico algorithms, and/or has population frequency not consistent with disease.

Breakthrough Genomics
Classification: Likely benign. Review status: criteria provided, single submitter. Criteria: ACMG Guidelines, 2015. Collection method: not provided. Allele origin: germline. Inheritance: Autosomal dominant inheritance. Affected: yes.

Molecular Genetics Laboratory, London Health Sciences Centre
Classification: Benign for Charcot-Marie-Tooth disease. Review status: criteria provided, single submitter. Criteria: ACMG Guidelines, 2015. Collection method: clinical testing. Allele origin: germline. Affected: yes.

PreventionGenetics, part of Exact Sciences
Classification: Benign for SPTLC1-related condition. Last evaluated: 2019-06-06. Review status: no assertion criteria provided. Collection method: clinical testing. Allele origin: germline. Not counted in ClinVar's aggregate classification.
Comment: This variant is classified as benign based on ACMG/AMP sequence variant interpretation guidelines (Richards et al. 2015 PMID: 25741868, with internal and published modifications).

Clinical Genetics, Academic Medical Center
Classification: Benign. Review status: no assertion criteria provided. Collection method: clinical testing. Allele origin: germline. Affected: yes. Study: VKGL Data-share Consensus. Not counted in ClinVar's aggregate classification.

Genome Diagnostics Laboratory, University Medical Center Utrecht
Classification: Benign. Review status: no assertion criteria provided. Collection method: clinical testing. Allele origin: germline. Affected: yes. Study: VKGL Data-share Consensus. Not counted in ClinVar's aggregate classification.